The following is an entry in ClinVar:

ClinVar aggregate classification (germline): no classifications from unflagged records (0 of 4 stars; one submission).

Conditions:
Spondylodysplastic Ehlers-Danlos syndrome. Identifiers: Orphanet 536471, Orphanet 75496, MedGen C5680154, MONDO:0007526.

Submission:

Labcorp Genetics (formerly Invitae), Labcorp
Classification: Uncertain significance for Spondylodysplastic Ehlers-Danlos syndrome. Last evaluated: 2021-09-21. Review status: flagged submission. Criteria: Invitae Variant Classification Sherloc (09022015). Collection method: clinical testing. Allele origin: germline.
Comment: A gross deletion of the genomic region encompassing the full coding sequence of the B4GALT7 gene has been identified. The current clinical and genetic evidence is not sufficient to establish whether loss-of-function variants in B4GALT7 cause disease. The boundaries of this event are unknown as they extend beyond the assayed region for this gene and therefore may encompass additional genes. This variant has not been reported in the literature in individuals affected with B4GALT7-related conditions. In summary, the available evidence is currently insufficient to determine the role of this variant in disease. Therefore, it has been classified as a Variant of Uncertain Significance.
ClinVar note: Notes: This submission was flagged because its interpretation of this variant conflicts with the ClinGen Gene Dosage Map curations for the following genes: NSD1 DDX41.
ClinVar note: Reason: Conflict with ClinGen Gene Dosage Map

NC_000005.9:g.(?_176047812)_(177422934_?)del

Genes: TMED9 (transmembrane p24 trafficking protein 9; plus strand), TSPAN17 (tetraspanin 17; plus strand), UIMC1 (ubiquitin interaction motif containing 1; minus strand), PRELID1 (PRELI domain containing 1; plus strand), SNCB (synuclein beta; minus strand) and 23 more. Cytogenetic location: 5q35.2-35.3.
Variant type: Deletion.
Identifiers: ClinVar variation 1437053 (VCV001437053.5).